The following is an entry in ClinVar:

ClinVar aggregate classification (germline): Uncertain significance (1 of 4 stars; one submission).

Conditions:
Long chain 3-hydroxyacyl-CoA dehydrogenase deficiency. Also called: LCHAD Deficiency; Deficiency of long-chain 3-hydroxyacyl-coenzyme A dehydrogenase. Identifiers: Orphanet 5, MedGen C3711645, MONDO:0012173, OMIM 609016.
Mitochondrial trifunctional protein deficiency. Identifiers: Orphanet 746, MedGen C1969443, MONDO:0012172.

Allele frequency attached by ClinVar (database versions not stated): gnomAD exomes below 0.00001.
gnomAD v4.1: 2 of 1,612,502 alleles (0.00012%); highest among the groups gnomAD compares: South Asian, 0.0022%; no homozygotes.

Submission:

Labcorp Genetics (formerly Invitae), Labcorp
Classification: Uncertain significance for Mitochondrial trifunctional protein deficiency; Long chain 3-hydroxyacyl-CoA dehydrogenase deficiency. Last evaluated: 2022-10-24. Review status: criteria provided, single submitter. Criteria: Invitae Variant Classification Sherloc (09022015). Collection method: clinical testing. Allele origin: germline.
Comment: This sequence change replaces lysine, which is basic and polar, with asparagine, which is neutral and polar, at codon 94 of the HADHA protein (p.Lys94Asn). In summary, the available evidence is currently insufficient to determine the role of this variant in disease. Therefore, it has been classified as a Variant of Uncertain Significance. Advanced modeling of protein sequence and biophysical properties (such as structural, functional, and spatial information, amino acid conservation, physicochemical variation, residue mobility, and thermodynamic stability) has been performed at Invitae for this missense variant, however the output from this modeling did not meet the statistical confidence thresholds required to predict the impact of this variant on HADHA protein function. This variant has not been reported in the literature in individuals affected with HADHA-related conditions. This variant is not present in population databases (gnomAD no frequency).

NM_000182.5(HADHA):c.282G>C (p.Lys94Asn)

Gene: HADHA (hydroxyacyl-CoA dehydrogenase trifunctional multienzyme complex subunit alpha; minus strand). Cytogenetic location: 2p23.3.
Variant type: single nucleotide variant.
Coding change: c.282G>C on transcript NM_000182.5 (MANE Select); coding-DNA position 282, G replaced by C.
Protein change: p.Lys94Asn; replaces lysine 94 with asparagine.
Molecular consequence: missense variant.
Genome position (GRCh38, 1-based): chr2:26,236,887, C>G on the plus strand (G>C on the coding strand, the complement: HADHA is on the minus strand). VCF-style: chr2-26236887-C-G. GRCh37 (hg19) VCF-style: chr2-26459755-C-G.
Other names: short protein forms K94N.
Identifiers: ClinVar variation 1713679 (VCV001713679.6), dbSNP rs2465605137, ClinGen allele CA346094292.